The following is an entry in ClinVar:

ClinVar aggregate classification (germline): Conflicting classifications of pathogenicity. Review status: criteria provided, conflicting classifications (1 of 4 stars). 3 submissions from 3 submitters: Uncertain significance (2); Likely benign (1). Last evaluated 2025-07-16.

Conditions:
Hereditary cancer-predisposing syndrome. Also called: Neoplastic Syndromes, Hereditary; Tumor predisposition; Hereditary Cancer Syndrome; Hereditary neoplastic syndrome. Identifiers: Orphanet 140162, MedGen C0027672, MeSH D009386, MONDO:0015356.
Hereditary breast ovarian cancer syndrome. Also called: Hereditary breast and ovarian cancer; Hereditary breast and/or ovarian cancer syndrome; BRCA1- and BRCA2-Associated Hereditary Breast and Ovarian Cancer; Hereditary breast and ovarian cancer syndrome (HBOC); Hereditary breast and ovarian cancer syndrome; Breast and ovarian cancer. Identifiers: Orphanet 145, MedGen C0677776, MeSH D061325, MONDO:0003582. Disease mechanism: loss of function.

Allele frequency attached by ClinVar (database versions not stated): TOPMed below 0.00001.

Submissions (3):

Labcorp Genetics (formerly Invitae), Labcorp
Classification: Uncertain significance for Hereditary breast ovarian cancer syndrome. Last evaluated: 2025-07-16. Review status: criteria provided, single submitter. Criteria: Invitae Variant Classification Sherloc (09022015). Collection method: clinical testing. Allele origin: germline.
Comment: This sequence change replaces threonine, which is neutral and polar, with alanine, which is neutral and non-polar, at codon 1067 of the BRCA2 protein (p.Thr1067Ala). This variant is not present in population databases (gnomAD no frequency). This missense change has been observed in individual(s) with hereditary breast and/or ovarian cancer (PMID: 31825140). ClinVar contains an entry for this variant (Variation ID: 187407). Invitae Evidence Modeling of protein sequence and biophysical properties (such as structural, functional, and spatial information, amino acid conservation, physicochemical variation, residue mobility, and thermodynamic stability) indicates that this missense variant is not expected to disrupt BRCA2 protein function with a negative predictive value of 95%. In summary, the available evidence is currently insufficient to determine the role of this variant in disease. Therefore, it has been classified as a Variant of Uncertain Significance.

University of Washington Department of Laboratory Medicine, University of Washington
Classification: Likely benign for Hereditary cancer-predisposing syndrome. Last evaluated: 2023-03-23. Review status: criteria provided, single submitter. Criteria: Dines et al. (Genet Med. 2020). Collection method: curation. Allele origin: germline.
Comment: Missense variant in a coldspot region where missense variants are very unlikely to be pathogenic (PMID:31911673).

BRCA2 exon 11 coldspot. Reclassification based on statistical prior probability.

Ambry Genetics
Classification: Uncertain significance for Hereditary cancer-predisposing syndrome. Last evaluated: 2022-03-21. Review status: criteria provided, single submitter. Criteria: Ambry Variant Classification Scheme 2023. Collection method: clinical testing. Allele origin: germline.
Comment: The p.T1067A variant (also known as c.3199A>G), located in coding exon 10 of the BRCA2 gene, results from an A to G substitution at nucleotide position 3199. The threonine at codon 1067 is replaced by alanine, an amino acid with similar properties. This amino acid position is not well conserved in available vertebrate species. In addition, this alteration is predicted to be tolerated by in silico analysis. Since supporting evidence is limited at this time, the clinical significance of this alteration remains unclear.

Literature cited by the submitters: PubMed 31825140 (cited by Labcorp Genetics (formerly Invitae), Labcorp).

NM_000059.4(BRCA2):c.3199A>G (p.Thr1067Ala)

Gene: BRCA2 (BRCA2 DNA repair associated; plus strand). Cytogenetic location: 13q13.1.
Variant type: single nucleotide variant.
Coding change: c.3199A>G on transcript NM_000059.4 (MANE Select); coding-DNA position 3199, A replaced by G.
Protein change: p.Thr1067Ala; replaces threonine 1067 with alanine.
Molecular consequence: missense variant.
Genome position (GRCh38, 1-based): chr13:32,337,554, A>G. VCF-style: chr13-32337554-A-G. GRCh37 (hg19) VCF-style: chr13-32911691-A-G.
Other names: short protein forms T1067A.
Identifiers: ClinVar variation 187407 (VCV000187407.16), dbSNP rs786203711, ClinGen allele CA017521.